The following is an entry in ClinVar:

ClinVar aggregate classification (germline): Benign/Likely benign. Review status: criteria provided, multiple submitters, no conflicts (2 of 4 stars). 3 submissions from 3 submitters: Benign (2); Likely benign (1). Last evaluated 2026-01-19.

Conditions:
Koolen-de Vries syndrome (KDVS). Identifiers: Orphanet 96169, MedGen C1864871, MONDO:0012496, OMIM 610443.

Allele frequency attached by ClinVar (database versions not stated): ESP Exome Variant Server 0.00031; gnomAD 0.00036 and 0.00038; TOPMed 0.00046; gnomAD exomes 0.00053; ExAC 0.00056; 1000 Genomes Project 0.00060; 1000 Genomes Project 30x 0.00062.
gnomAD v4.1: 826 of 1,612,394 alleles (0.051%); highest among the groups gnomAD compares: Admixed American, 0.065%; 1 homozygote.

Submissions (3):

Labcorp Genetics (formerly Invitae), Labcorp
Classification: Benign for Koolen-de Vries syndrome. Last evaluated: 2026-01-19. Review status: criteria provided, single submitter. Criteria: Invitae Variant Classification Sherloc (09022015). Collection method: clinical testing. Allele origin: germline.

GeneDx
Classification: Benign. Last evaluated: 2019-07-24. Review status: criteria provided, single submitter. Criteria: GeneDx Variant Classification Process June 2021. Collection method: clinical testing. Allele origin: germline. Affected: yes.

Center for Pediatric Genomic Medicine, Children's Mercy Hospital and Clinics
Classification: Likely benign. Last evaluated: 2016-11-02. Review status: criteria provided, single submitter. Criteria: ACMG Guidelines, 2015. Collection method: clinical testing. Allele origin: germline.
ClinVar note: Converted during submission from Likely Benign to Likely benign.

NM_015443.4(KANSL1):c.2294C>T (p.Ala765Val)

Gene: KANSL1 (KAT8 regulatory NSL complex subunit 1). Cytogenetic location: 17q21.31.
Variant type: single nucleotide variant.
Coding change: c.2294C>T on transcript NM_015443.4 (MANE Select); coding-DNA position 2294, C replaced by T.
Protein change: p.Ala765Val; replaces alanine 765 with valine.
Molecular consequence: missense variant.
Genome position (GRCh38, 1-based): chr17:46,039,125, G>A on the plus strand (C>T on the coding strand, the complement: KANSL1 is on the minus strand). VCF-style: chr17-46039125-G-A. GRCh37 (hg19) VCF-style: chr17-44116491-G-A.
Other names: c.2294C>T, p.Ala765Val (NM_001193465.2, NM_001193466.2, NM_001379198.1); short protein forms A765V.
Identifiers: ClinVar variation 323771 (VCV000323771.15), dbSNP rs151099014, ClinGen allele CA8618608.
Genomic context (GRCh38, chr17:46,039,125, plus strand): 5'-TTGCTGTGGTTTGGGTCATGCACGGGTGGTGGTGGGTTGAGCAAGCGCTCTGCTTTTGGC[G>A]CTGTCACTCGCTCCACCATGGGCACGGCCCCCACATCGTCTAAGTGCTGCCTGTGGGTCC-3'
Protein context (NP_056258.1, residues 755-775): GAVPMVERVT[Ala765Val]PKAERLLNPP